The following is an entry in ClinVar:

ClinVar aggregate classification (germline): Likely pathogenic (1 of 4 stars; one submission).

Conditions:
Familial dysautonomia. Also called: HSAN III; FD. Identifiers: Orphanet 1764, MedGen C0013364, MONDO:0009131, OMIM 223900. Disease mechanism: loss of function.

Submission:

Natera, Inc.
Classification: Likely pathogenic for Familial dysautonomia. Last evaluated: 2024-12-26. Review status: criteria provided, single submitter. Criteria: Natera Variant Classification Schema (03/2026). Collection method: clinical testing. Allele origin: germline.
Comment: The c.1460+2T>G variant in ELP1 is a canonical splice donor site variant predicted to affect pre-mRNA splicing, which may result in an abnormal transcript and altered protein product. This variant is expected to result in nonsense mediated decay, truncation, or a dysfunctional protein product. This variant is rare in the general population with a frequency below the threshold expected for the associated phenotype(s). Given the available evidence, this variant is classified as Likely Pathogenic.

NM_003640.5(ELP1):c.1460+2T>G

Gene: ELP1 (elongator acetyltransferase complex subunit 1; minus strand). Cytogenetic location: 9q31.3.
Variant type: single nucleotide variant.
Coding change: c.1460+2T>G on transcript NM_003640.5 (MANE Select); the canonical splice donor site of the intron after coding-DNA position 1460, T replaced by G.
Molecular consequence: splice donor variant.
Genome position (GRCh38, 1-based): chr9:108,908,303, A>C on the plus strand (T>G on the coding strand, the complement: ELP1 is on the minus strand). VCF-style: chr9-108908303-A-C. GRCh37 (hg19) VCF-style: chr9-111670583-A-C.
Other names: c.1118+2T>G (NM_001318360.2); c.413+2T>G (NM_001330749.2).
Identifiers: ClinVar variation 4815174 (VCV004815174.1).